The following is an entry in ClinVar:

ClinVar aggregate classification (germline): Pathogenic (1 of 4 stars; one submission).

Conditions:
Neuronal ceroid lipofuscinosis 7 (CLN7). Also called: MFSD8-Related Neuronal Ceroid-Lipofuscinosis. Identifiers: Orphanet 168491, Orphanet 228366, MedGen C1838571, MONDO:0012588, OMIM 610951.

Submission:

Labcorp Genetics (formerly Invitae), Labcorp
Classification: Pathogenic for Neuronal ceroid lipofuscinosis 7. Last evaluated: 2019-06-26. Review status: criteria provided, single submitter. Criteria: Invitae Variant Classification Sherloc (09022015). Collection method: clinical testing. Allele origin: germline.
Comment: This variant is not present in population databases (ExAC no frequency). This sequence change affects a donor splice site in intron 9 of the MFSD8 gene. It is expected to disrupt RNA splicing and likely results in an absent or disrupted protein product. This variant has been observed in individual(s) with clinical features of neuronal ceroid lipofuscinosis (Invitae). In at least one individual the data is consistent with the variant being in trans (on the opposite chromosome) from a pathogenic variant. For these reasons, this variant has been classified as Pathogenic. Donor and acceptor splice site variants typically lead to a loss of protein function (PMID: 16199547), and loss-of-function variants in MFSD8 are known to be pathogenic (PMID: 19177532, 25227500, 28586915). Algorithms developed to predict the effect of sequence changes on RNA splicing suggest that this variant may disrupt the consensus splice site, but this prediction has not been confirmed by published transcriptional studies.

Literature cited by the submitters: PubMed 16199547; PubMed 19177532; PubMed 25227500; PubMed 28586915.

NM_001371596.2(MFSD8):c.863+1G>T

Gene: MFSD8 (major facilitator superfamily domain containing 8; minus strand). Cytogenetic location: 4q28.2.
Variant type: single nucleotide variant.
Coding change: c.863+1G>T on transcript NM_001371596.2 (MANE Select); the canonical splice donor site of the intron after coding-DNA position 863, G replaced by T.
Molecular consequence: splice donor variant.
Genome position (GRCh38, 1-based): chr4:127,932,984, C>A on the plus strand (G>T on the coding strand, the complement: MFSD8 is on the minus strand). VCF-style: chr4-127932984-C-A. GRCh37 (hg19) VCF-style: chr4-128854139-C-A.
Other names: c.581+1G>T (NM_001371595.1); c.413+1G>T (NM_001410765.1); c.728+1G>T (NM_001371590.2); c.863+1G>T (NM_152778.4, NM_001371591.2); c.548+1G>T (NM_001363521.3); c.749+1G>T (NM_001410766.1, NM_001371593.2); c.662+1G>T (NM_001363520.3); c.716+1G>T (NM_001371594.2); and 1 more.
Identifiers: ClinVar variation 856831 (VCV000856831.8), dbSNP rs200319160, ClinGen allele CA358174580.